The following is an entry in ClinVar:

NM_001903.5(CTNNA1):c.2721A>G (p.Ter907=)

Gene: CTNNA1 (catenin alpha 1; plus strand). Cytogenetic location: 5q31.2.
Variant type: single nucleotide variant.
Coding change: c.2721A>G on transcript NM_001903.5 (MANE Select); coding-DNA position 2721, A replaced by G.
Protein change: p.Ter907=.
Molecular consequence: synonymous variant. On other transcripts: 3 prime UTR variant (5).
Genome position (GRCh38, 1-based): chr5:138,934,089, A>G. VCF-style: chr5-138934089-A-G. GRCh37 (hg19) VCF-style: chr5-138269778-A-G.
Other names: c.1272A>G, p.Ter424= (NM_001324010.1, NM_001324006.1, NM_001324007.1 and 2 more transcripts); c.1518A>G, p.Ter506= (NM_001324011.1); c.1368A>G, p.Ter456= (NM_001324012.1, NM_001324013.1); c.*266A>G (NM_001290307.3, NM_001324002.1, NM_001324003.1 and 2 more transcripts); c.2412A>G, p.Ter804= (NM_001290309.3); c.2352A>G, p.Ter784= (NM_001290310.3); c.1611A>G, p.Ter537= (NM_001290312.1, NM_001323987.1, NM_001323988.1 and 12 more transcripts); c.2721A>G, p.Ter907= (NM_001323982.2, NM_001323983.1, NM_001323984.2); and 3 more.
Identifiers: ClinVar variation 3773314 (VCV003773314.1).
Genomic context (GRCh38, chr5:138,934,089, plus strand): 5'-GAAGAAGCACGTGAACCCGGTGCAGGCCCTCAGCGAGTTCAAAGCTATGGACAGCATCTA[A>G]GTCTGCCCAGGCCGGCCGCCCCCACCCCTCGGGGCTCCTGAATATCAGTCACTGTTCGTC-3'

ClinVar aggregate classification (germline): Benign (1 of 4 stars; one submission).

Conditions:
Hereditary diffuse gastric adenocarcinoma (HDGC). Also called: DIFFUSE GASTRIC AND LOBULAR BREAST CANCER SYNDROME. Identifiers: Orphanet 26106, MedGen C1708349, MONDO:0007648, OMIM 137215.

gnomAD v4.1: 1 of 1,609,420 alleles (0.000062%); highest among the groups gnomAD compares: East Asian, 0.0022%; no homozygotes.

Submission:

Myriad Genetics, Inc.
Classification: Benign for Hereditary diffuse gastric adenocarcinoma. Last evaluated: 2024-10-15. Review status: criteria provided, single submitter. Criteria: Myriad Autosomal Dominant, Autosomal Recessive and X-Linked Classification Criteria (2023). Collection method: clinical testing. Allele origin: unknown.
Comment: This variant is considered benign. This variant is a silent/synonymous amino acid change and it is not expected to impact splicing.